The following is an entry in ClinVar:

NM_001351132.2(PEX5):c.745C>G (p.Gln249Glu)

Gene: PEX5 (peroxisomal biogenesis factor 5; plus strand). Cytogenetic location: 12p13.31.
Variant type: single nucleotide variant.
Coding change: c.745C>G on transcript NM_001351132.2 (MANE Select); coding-DNA position 745, C replaced by G.
Protein change: p.Gln249Glu; replaces glutamine 249 with glutamic acid.
Molecular consequence: missense variant. On other transcripts: intron variant (15).
Genome position (GRCh38, 1-based): chr12:7,202,343, C>G. VCF-style: chr12-7202343-C-G. GRCh37 (hg19) VCF-style: chr12-7354939-C-G.
Other names: c.745C>G, p.Gln249Glu (NM_000319.5, NM_001131025.2, NM_001131026.2 and 6 more transcripts); c.790C>G, p.Gln264Glu (NM_001131023.2); c.643-269C>G (NM_001351124.3, NM_001351126.2, NM_001374646.1 and 10 more transcripts); c.688-269C>G (NM_001351135.3, NM_001351138.2); short protein forms Q249E, Q264E.
Identifiers: ClinVar variation 1429097 (VCV001429097.8), dbSNP rs1442020873, ClinGen allele CA383723467.

ClinVar aggregate classification (germline): Uncertain significance (1 of 4 stars; one submission).

Conditions:
Peroxisome biogenesis disorder 2B (PBD2B). Identifiers: Orphanet 44, MedGen C3550234, MONDO:0008736, OMIM 202370.

gnomAD v4.1: 6 of 1,614,090 alleles (0.00037%); highest among the groups gnomAD compares: Non-Finnish European, 0.00051%; no homozygotes.

Submission:

Labcorp Genetics (formerly Invitae), Labcorp
Classification: Uncertain significance for Peroxisome biogenesis disorder 2B. Last evaluated: 2022-02-02. Review status: criteria provided, single submitter. Criteria: Invitae Variant Classification Sherloc (09022015). Collection method: clinical testing. Allele origin: germline.
Comment: This variant is not present in population databases (gnomAD no frequency). In summary, the available evidence is currently insufficient to determine the role of this variant in disease. Therefore, it has been classified as a Variant of Uncertain Significance. Algorithms developed to predict the effect of missense changes on protein structure and function (SIFT, PolyPhen-2, Align-GVGD) all suggest that this variant is likely to be tolerated. This variant has not been reported in the literature in individuals affected with PEX5-related conditions. This sequence change replaces glutamine, which is neutral and polar, with glutamic acid, which is acidic and polar, at codon 249 of the PEX5 protein (p.Gln249Glu).